The following is an entry in ClinVar:

ClinVar aggregate classification (germline): Pathogenic/Likely pathogenic. Review status: criteria provided, multiple submitters, no conflicts (2 of 4 stars). 8 submissions from 8 submitters: Pathogenic (3); Likely pathogenic (4). 1 of the submissions does not count toward it. Last evaluated 2025-10-27.

Conditions:
Charcot-Marie-Tooth disease. Also called: Charcot-Marie-Tooth Neuropathy; Charcot-Marie-Tooth Hereditary Neuropathy. Identifiers: Orphanet 166, MedGen C0007959, MONDO:0015626.
Inborn genetic diseases. Identifiers: MedGen C0950123, MeSH D030342.
Hereditary insensitivity to pain with anhidrosis (CIPA). Also called: HSAN Type IV; FAMILIAL DYSAUTONOMIA, TYPE II; NEUROPATHY, CONGENITAL SENSORY, WITH ANHIDROSIS; hereditary sensory and autonomic neuropathy type 4; INSENSITIVITY TO PAIN, CONGENITAL, WITH ANHIDROSIS; NTRK1 Congenital Insensitivity to Pain with Anhidrosis. Identifiers: Orphanet 642, MedGen C0020074, MONDO:0009746, OMIM 256800.

Allele frequency attached by ClinVar (database versions not stated): gnomAD 0.00001; gnomAD exomes 0.00001; TOPMed 0.00002; ExAC 0.00005.
gnomAD v4.1: 19 of 1,554,906 alleles (0.0012%); highest among the groups gnomAD compares: Non-Finnish European, 0.0016%; no homozygotes.

Submissions (8):

Natera, Inc.
Classification: Likely pathogenic for Hereditary insensitivity to pain with anhidrosis. Last evaluated: 2025-10-27. Review status: criteria provided, single submitter. Criteria: Natera Variant Classification Schema (03/2026). Collection method: clinical testing. Allele origin: germline.
Comment: The c.638T>C variant in NTRK1 is a missense variant predicted to cause substitution of leucine to proline at amino acid 213. This variant is rare in the general population with a frequency below the threshold expected for the associated phenotype(s). This variant has been observed in one or more individuals affected with the associated recessive disease, as either homozygous or compound heterozygous with a second variant (PMID: 10330344, 12949319). Functional studies show that this variant may disrupt protein function (PMID: 11719521). Computational prediction algorithms indicate this variant is likely to affect gene or protein function. Given the available evidence, this variant is classified as Likely Pathogenic.

Labcorp Genetics (formerly Invitae), Labcorp
Classification: Pathogenic for Hereditary insensitivity to pain with anhidrosis. Last evaluated: 2025-09-10. Review status: criteria provided, single submitter. Criteria: Invitae Variant Classification Sherloc (09022015). Collection method: clinical testing. Allele origin: germline.
Comment: This sequence change replaces leucine, which is neutral and non-polar, with proline, which is neutral and non-polar, at codon 213 of the NTRK1 protein (p.Leu213Pro). This variant is not present in population databases (gnomAD no frequency). This missense change has been observed in individual(s) with autosomal recessive congenital insensitivity to pain with anhidrosis (PMID: 10330344, 12949319). In at least one individual the data is consistent with being in trans (on the opposite chromosome) from a pathogenic variant. ClinVar contains an entry for this variant (Variation ID: 526734). Invitae Evidence Modeling of protein sequence and biophysical properties (such as structural, functional, and spatial information, amino acid conservation, physicochemical variation, residue mobility, and thermodynamic stability) indicates that this missense variant is expected to disrupt NTRK1 protein function with a positive predictive value of 95%. Experimental studies have shown that this missense change affects NTRK1 function (PMID: 11159935, 11719521, 27551041). For these reasons, this variant has been classified as Pathogenic.

Division of Genetic & Genomic Pathology, Hong Kong Children's Hospital
Classification: Likely pathogenic for Hereditary insensitivity to pain with anhidrosis. Last evaluated: 2024-11-01. Review status: criteria provided, single submitter. Criteria: ACMG Guidelines, 2015. Collection method: clinical testing. Allele origin: germline. Affected: yes.
Comment: NTRK1 c.638T>C is a missense variant located in exon 6 of NTRK1 gene. This variant is reported at low frequency in the Genome Aggregation Database population controls (gnomAD v4.1.0: total 19 in 15,549,061 alleles; absent in East Asian). It has been deposited in ClinVar as a pathogenic or likely pathogenic variant for hereditary insensitivity to pain with anhidrosis and other phenotypes (ClinVar Accession: VCV000526734.17) by 6 submitters at the time of reporting. It has been reported previously in the compound heterozygous state with a pathogenic or likely pathogenic variant (PMID 10330344, 12949319 and 31589614). Predictions from in silico algorithms are inconclusive (REVEL score 0.48), but functional studies suggested that the variant impacts protein function (PMID: 11159935, 11719521 and 27551041). For these reasons, this variant is classified as likely pathogenic. This variant is in trans with another likley pathogenic variant.

Fulgent Genetics
Classification: Pathogenic for Hereditary insensitivity to pain with anhidrosis. Last evaluated: 2024-06-07. Review status: criteria provided, single submitter. Criteria: ACMG Guidelines, 2015. Collection method: clinical testing. Allele origin: germline.

Genome-Nilou Lab
Classification: Likely pathogenic for Hereditary insensitivity to pain with anhidrosis. Last evaluated: 2023-04-11. Review status: criteria provided, single submitter. Criteria: ACMG Guidelines, 2015. Collection method: clinical testing. Allele origin: germline. Affected: no.

Ambry Genetics
Classification: Likely pathogenic for Inborn genetic diseases. Last evaluated: 2021-11-15. Review status: criteria provided, single submitter. Criteria: Ambry Variant Classification Scheme 2023. Collection method: clinical testing. Allele origin: germline.
Comment: The p.L213P variant (also known as c.638T>C), located in coding exon 6 of the NTRK1 gene, results from a T to C substitution at nucleotide position 638. The leucine at codon 213 is replaced by proline, an amino acid with similar properties. This alteration was detected in trans with truncating mutations in NTRK1 in two unrelated individuals (Mardy S et al. Am J Hum Genet, 1999 Jun;64:1570-9; Bonkowsky JL et al. Pediatrics, 2003 Sep;112:e237-41). Functional studies indicate that this alteration results in abnormal localization and loss of activation of the NTRK1 protein (Franco ML et al. J Biol Chem, 2016 Oct;291:21363-21374; Mardy S et al. Hum Mol Genet, 2001 Feb;10:179-88; Miranda C et al. J Biol Chem, 2002 Feb;277:6455-62). This amino acid position is highly conserved in available vertebrate species. In addition, this alteration is predicted to be deleterious by in silico analysis. Based on the majority of available evidence to date, this variant is likely to be pathogenic.

Revvity Omics, Revvity
Classification: Pathogenic for Hereditary insensitivity to pain with anhidrosis. Last evaluated: 2019-09-18. Review status: criteria provided, single submitter. Criteria: ACMG Guidelines, 2015. Collection method: clinical testing. Allele origin: germline.

Inherited Neuropathy Consortium
Classification: Uncertain significance for Charcot-Marie-Tooth disease. Review status: no assertion criteria provided. Collection method: literature only. Allele origin: germline. Affected: yes. Not counted in ClinVar's aggregate classification.

Literature cited by the submitters: PubMed 10330344 (cited by 4 submitters); PubMed 12949319 (cited by 5 submitters); PubMed 11719521 (cited by 4 submitters); PubMed 11159935 (cited by 3 submitters); PubMed 27551041 (cited by 3 submitters); PubMed 31589614 (cited by Division of Genetic & Genomic Pathology, Hong Kong Children's Hospital).

NM_002529.4(NTRK1):c.638T>C (p.Leu213Pro)

Gene: NTRK1 (neurotrophic receptor tyrosine kinase 1; plus strand). Cytogenetic location: 1q23.1.
Variant type: single nucleotide variant.
Coding change: c.638T>C on transcript NM_002529.4 (MANE Select); coding-DNA position 638, T replaced by C.
Protein change: p.Leu213Pro; replaces leucine 213 with proline.
Molecular consequence: missense variant.
Genome position (GRCh38, 1-based): chr1:156,868,568, T>C. VCF-style: chr1-156868568-T-C. GRCh37 (hg19) VCF-style: chr1-156838360-T-C.
Other names: c.548T>C, p.Leu183Pro (NM_001007792.1); c.638T>C, p.Leu213Pro (NM_001012331.2); short protein forms L183P, L213P.
Identifiers: ClinVar variation 526734 (VCV000526734.24), dbSNP rs747711259, ClinGen allele CA1169061.